The following is an entry in ClinVar:

NM_015001.3(SPEN):c.7233G>A (p.Ser2411=)

Gene: SPEN (spen family transcriptional repressor; plus strand). Cytogenetic location: 1p36.13.
Variant type: single nucleotide variant.
Coding change: c.7233G>A on transcript NM_015001.3 (MANE Select); coding-DNA position 7233, G replaced by A.
Protein change: p.Ser2411=; no amino-acid change (serine 2411 retained).
Molecular consequence: synonymous variant.
Genome position (GRCh38, 1-based): chr1:15,933,473, G>A. VCF-style: chr1-15933473-G-A. GRCh37 (hg19) VCF-style: chr1-16259968-G-A.
Identifiers: ClinVar variation 2638332 (VCV002638332.25), dbSNP rs149855157, ClinGen allele CA620064.

ClinVar aggregate classification (germline): Likely benign. Review status: criteria provided, multiple submitters, no conflicts (2 of 4 stars). 2 submissions from 2 submitters: Likely benign (2). Last evaluated 2024-03-19.

Allele frequency attached by ClinVar (database versions not stated): gnomAD exomes 0.00020; gnomAD 0.00162; TOPMed 0.00203; ESP Exome Variant Server 0.00223; ExAC 0.00079; 1000 Genomes Project 30x 0.00094; 1000 Genomes Project 0.00100.
gnomAD v4.1: 546 of 1,614,040 alleles (0.034%); highest among the groups gnomAD compares: African/African-American, 0.57%; 2 homozygotes.

Submissions (2):

Blueprint Genetics
Classification: Likely benign. Last evaluated: 2024-03-19. Review status: criteria provided, single submitter. Criteria: ACMG Guidelines, 2015. Collection method: clinical testing. Allele origin: germline.

CeGaT Center for Human Genetics Tuebingen
Classification: Likely benign. Last evaluated: 2023-02-01. Review status: criteria provided, single submitter. Criteria: CeGaT Center For Human Genetics Tuebingen Variant Classification Criteria Version 2. Collection method: clinical testing. Allele origin: germline. Affected: yes. Observed: 1 variant allele.
Comment: SPEN: BP4, BP7, BS1